The following is an entry in ClinVar:

NM_004453.4(ETFDH):c.1286-154C>T

Gene: ETFDH (electron transfer flavoprotein dehydrogenase; plus strand). Cytogenetic location: 4q32.1.
Variant type: single nucleotide variant.
Coding change: c.1286-154C>T on transcript NM_004453.4 (MANE Select); 154 bases into the intron before coding-DNA position 1286, C replaced by T.
Molecular consequence: intron variant.
Genome position (GRCh38, 1-based): chr4:158,706,035, C>T. VCF-style: chr4-158706035-C-T. GRCh37 (hg19) VCF-style: chr4-159627187-C-T.
Other names: c.1145-154C>T (NM_001281737.2); c.1103-154C>T (NM_001281738.1).
Identifiers: ClinVar variation 669581 (VCV000669581.1), dbSNP rs139584691, ClinGen allele CA108818842.
Genomic context (GRCh38, chr4:158,706,035, plus strand): 5'-GGAGGCTGAGGTGGGAGGATGGCTTGAATCTAGGAGGTGGAGGTTGCAGTGAGCCATGAT[C>T]ACACCACTGTACTCCAACCTGGGTGACAGAGCAAGACCTTGTCTCGAAAAAAGAAAAACT-3'

ClinVar aggregate classification (germline): Likely benign (1 of 4 stars; one submission).

Allele frequency attached by ClinVar (database versions not stated): gnomAD 0.00402 and 0.00424; 1000 Genomes Project 0.00419; TOPMed 0.00456; 1000 Genomes Project 30x 0.00500.
gnomAD v4.1: 605 of 152,292 alleles (0.4%); highest among the groups gnomAD compares: African/African-American, 1.4%; 4 homozygotes.

Submission:

GeneDx
Classification: Likely benign. Last evaluated: 2018-06-19. Review status: criteria provided, single submitter. Criteria: GeneDx Variant Classification (06012015). Collection method: clinical testing. Allele origin: germline. Affected: yes.
Comment: This variant is considered likely benign or benign based on one or more of the following criteria: it is a conservative change, it occurs at a poorly conserved position in the protein, it is predicted to be benign by multiple in silico algorithms, and/or has population frequency not consistent with disease.